The following is an entry in ClinVar:

NM_000829.4(GRIA4):c.695T>C (p.Val232Ala)

Gene: GRIA4 (glutamate ionotropic receptor AMPA type subunit 4; plus strand). Cytogenetic location: 11q22.3.
Variant type: single nucleotide variant.
Coding change: c.695T>C on transcript NM_000829.4 (MANE Select); coding-DNA position 695, T replaced by C.
Protein change: p.Val232Ala; replaces valine 232 with alanine.
Molecular consequence: missense variant. On other transcripts: non-coding transcript variant (1).
Genome position (GRCh38, 1-based): chr11:105,887,541, T>C. VCF-style: chr11-105887541-T-C. GRCh37 (hg19) VCF-style: chr11-105758267-T-C.
Other names: c.695T>C, p.Val232Ala (NM_001077243.3, NM_001077244.2, NM_001112812.2 and 20 more transcripts); short protein forms V232A.
Identifiers: ClinVar variation 4853470 (VCV004853470.1).

ClinVar aggregate classification (germline): Uncertain significance (1 of 4 stars; one submission).

gnomAD v4.1: 3 of 1,461,280 alleles (0.00021%); highest among the groups gnomAD compares: African/African-American, 0.0042%; no homozygotes.

Submission:

Women's Health and Genetics/Laboratory Corporation of America, LabCorp
Classification: Uncertain significance. Last evaluated: 2026-05-07. Review status: criteria provided, single submitter. Criteria: LabCorp Variant Classification Summary - May 2015. Collection method: clinical testing. Allele origin: germline.
Comment: Variant summary: GRIA4 c.695T>C (p.Val232Ala) results in a non-conservative amino acid change in the encoded protein sequence. Algorithms developed to predict the effect of missense changes on protein structure and function are either unavailable or do not agree on the potential impact of this missense change. The variant allele was found at a frequency of 8.4e-06 in 237274 control chromosomes. The available data on variant occurrences in the general population are insufficient to allow any conclusion about variant significance. To our knowledge, no occurrence of c.695T>C in individuals affected with GRIA4-related conditions and no experimental evidence demonstrating its impact on protein function have been reported. No submitters have cited clinical-significance assessments for this variant to ClinVar. Based on the evidence outlined above, the variant was classified as uncertain significance.